The following is an entry in ClinVar:

NM_001034853.2(RPGR):c.2520G>T (p.Gly840=)

Gene: RPGR (retinitis pigmentosa GTPase regulator; minus strand). Cytogenetic location: Xp11.4.
Variant type: single nucleotide variant.
Coding change: c.2520G>T on transcript NM_001034853.2 (MANE Select); coding-DNA position 2520, G replaced by T.
Protein change: p.Gly840=; no amino-acid change (glycine 840 retained).
Molecular consequence: synonymous variant. On other transcripts: intron variant (8).
Genome position (GRCh38, 1-based): chrX:38,286,479, C>A on the plus strand (G>T on the coding strand, the complement: RPGR is on the minus strand). VCF-style: chrX-38286479-C-A. GRCh37 (hg19) VCF-style: chrX-38145732-C-A.
Other names: NC_000023.10:g.38145732C>A; c.1569+4480G>T (NM_001367249.1, NM_001367250.1); c.1902+615G>T (NM_001367245.1); c.1386+4480G>T (NM_001367251.1); c.1719+615G>T (NM_001367246.1); c.1572+4480G>T (NM_001367247.1); c.1905+615G>T (NM_000328.3); c.1602+4480G>T (NM_001367248.1).
Identifiers: ClinVar variation 3341575 (VCV003341575.17).

ClinVar aggregate classification (germline): Likely benign (1 of 4 stars; one submission).

Submissions (3):

CeGaT Center for Human Genetics Tuebingen
Classification: Likely benign. Last evaluated: 2024-12-01. Review status: criteria provided, single submitter. Criteria: CeGaT Center For Human Genetics Tuebingen Variant Classification Criteria Version 2. Collection method: clinical testing. Allele origin: germline. Affected: yes. Observed: 3 variant alleles.
Comment: RPGR: BP4, BP7

Dr. Peter K. Rogan Lab, Western University
No classification provided (evidence only). Condition: Colon adenocarcinoma. Review status: no classification provided. Collection method: in vitro. Allele origin: not applicable. Functional consequence: retained intron. Not counted in ClinVar's aggregate classification.

Dr. Peter K. Rogan Lab, Western University
No classification provided (evidence only). Condition: Uterine corpus endometrial carcinoma. Review status: no classification provided. Collection method: in vitro. Allele origin: not applicable. Functional consequence: retained intron. Not counted in ClinVar's aggregate classification.